The following is an entry in ClinVar:

NM_177438.3(DICER1):c.1900A>G (p.Ile634Val)

Gene: DICER1 (dicer 1, ribonuclease III; minus strand). Cytogenetic location: 14q32.13.
Variant type: single nucleotide variant.
Coding change: c.1900A>G on transcript NM_177438.3 (MANE Select); coding-DNA position 1900, A replaced by G.
Protein change: p.Ile634Val; replaces isoleucine 634 with valine.
Molecular consequence: missense variant.
Genome position (GRCh38, 1-based): chr14:95,115,674, T>C on the plus strand (A>G on the coding strand, the complement: DICER1 is on the minus strand). VCF-style: chr14-95115674-T-C. GRCh37 (hg19) VCF-style: chr14-95582011-T-C.
Other names: c.1900A>G, p.Ile634Val (NM_001195573.1, NM_001271282.3, NM_001291628.2 and 1 more transcripts); c.1900A>G (NM_177438.2); short protein forms I634V.
Identifiers: ClinVar variation 1382918 (VCV001382918.8), dbSNP rs752853448, ClinGen allele CA7331375.

ClinVar aggregate classification (germline): Uncertain significance. Review status: criteria provided, multiple submitters, no conflicts (2 of 4 stars). 2 submissions from 2 submitters: Uncertain significance (2). Last evaluated 2025-06-15.

Conditions:
Hereditary cancer-predisposing syndrome. Also called: Tumor predisposition; Hereditary neoplastic syndrome; Neoplastic Syndromes, Hereditary; Hereditary Cancer Syndrome. Identifiers: Orphanet 140162, MedGen C0027672, MeSH D009386, MONDO:0015356.
DICER1-related tumor predisposition. Also called: DICER1 syndrome; DICER1-related pleuropulmonary blastoma cancer predisposition syndrome. Identifiers: Orphanet 284343, MedGen C3839822, MONDO:0100216.

Allele frequency attached by ClinVar (database versions not stated): gnomAD exomes below 0.00001 and 0.00001; ExAC 0.00001.
gnomAD v4.1: 4 of 1,614,186 alleles (0.00025%); highest among the groups gnomAD compares: Admixed American, 0.0033%; no homozygotes.

Submissions (2):

Ambry Genetics
Classification: Uncertain significance for Hereditary cancer-predisposing syndrome. Last evaluated: 2025-06-15. Review status: criteria provided, single submitter. Criteria: Ambry Variant Classification Scheme 2023. Collection method: clinical testing. Allele origin: germline.
Comment: The p.I634V variant (also known as c.1900A>G), located in coding exon 10 of the DICER1 gene, results from an A to G substitution at nucleotide position 1900. The isoleucine at codon 634 is replaced by valine, an amino acid with highly similar properties. This amino acid position is conserved. In addition, this alteration is predicted to be tolerated by in silico analysis. Based on the available evidence, the clinical significance of this variant remains unclear.

Labcorp Genetics (formerly Invitae), Labcorp
Classification: Uncertain significance for DICER1-related tumor predisposition. Last evaluated: 2021-10-28. Review status: criteria provided, single submitter. Criteria: Invitae Variant Classification Sherloc (09022015). Collection method: clinical testing. Allele origin: germline.
Comment: This sequence change replaces isoleucine, which is neutral and non-polar, with valine, which is neutral and non-polar, at codon 634 of the DICER1 protein (p.Ile634Val). This variant is present in population databases (rs752853448, gnomAD 0.006%). This variant has not been reported in the literature in individuals affected with DICER1-related conditions. Algorithms developed to predict the effect of missense changes on protein structure and function output the following: SIFT: "Tolerated"; PolyPhen-2: "Benign"; Align-GVGD: "Class C0". The valine amino acid residue is found in multiple mammalian species, which suggests that this missense change does not adversely affect protein function. In summary, the available evidence is currently insufficient to determine the role of this variant in disease. Therefore, it has been classified as a Variant of Uncertain Significance.